The following is an entry in ClinVar:

NM_001278669.2(NFATC1):c.2290G>A (p.Val764Met)

Gene: NFATC1 (nuclear factor of activated T cells 1; plus strand). Cytogenetic location: 18q23.
Variant type: single nucleotide variant.
Coding change: c.2290G>A on transcript NM_001278669.2 (MANE Select); coding-DNA position 2290, G replaced by A.
Protein change: p.Val764Met; replaces valine 764 with methionine.
Molecular consequence: missense variant. On other transcripts: intron variant (2).
Genome position (GRCh38, 1-based): chr18:79,486,445, G>A. VCF-style: chr18-79486445-G-A. GRCh37 (hg19) VCF-style: chr18-77246445-G-A.
Other names: c.2290G>A (NM_001278669.1); c.874G>A, p.Val292Met (NM_001278673.2, NM_172388.3); c.2290G>A, p.Val764Met (NM_006162.5); c.2251G>A, p.Val751Met (NM_172387.3, NM_172389.3); c.2092+18863G>A (NM_001278670.2); c.2053+18863G>A (NM_001278672.2); short protein forms V292M, V751M, V764M.
Identifiers: ClinVar variation 787471 (VCV000787471.10), dbSNP rs145230460, ClinGen allele CA9009587.

ClinVar aggregate classification (germline): Benign. Review status: criteria provided, single submitter (1 of 4 stars). 2 submissions from 2 submitters: Benign (1). 1 of the submissions does not count toward it. Last evaluated 2025-08-11.

Conditions:
NFATC1-related disorder. Also called: NFATC1-related condition.

Allele frequency attached by ClinVar (database versions not stated): 1000 Genomes Project 0.00280; 1000 Genomes Project 30x 0.00328; TOPMed 0.00420; ESP Exome Variant Server 0.00485; ExAC 0.00161.
gnomAD v4.1: 1,612 of 1,611,732 alleles (0.1%); highest among the groups gnomAD compares: African/African-American, 1.2%; 12 homozygotes.

Submissions (2):

Labcorp Genetics (formerly Invitae), Labcorp
Classification: Benign. Last evaluated: 2025-08-11. Review status: criteria provided, single submitter. Criteria: Invitae Variant Classification Sherloc (09022015). Collection method: clinical testing. Allele origin: germline.

PreventionGenetics, part of Exact Sciences
Classification: Benign for NFATC1-related condition. Last evaluated: 2019-03-25. Review status: no assertion criteria provided. Collection method: clinical testing. Allele origin: germline. Not counted in ClinVar's aggregate classification.
Comment: This variant is classified as benign based on ACMG/AMP sequence variant interpretation guidelines (Richards et al. 2015 PMID: 25741868, with internal and published modifications).